The following is an entry in ClinVar:

ClinVar aggregate classification (germline): Uncertain significance. Review status: criteria provided, multiple submitters, no conflicts (2 of 4 stars). 2 submissions from 2 submitters: Uncertain significance (2). Last evaluated 2026-08-05.

Conditions:
TJP2-related disorder. Also called: TJP2-related condition.

gnomAD v4.1: 25 of 1,607,882 alleles (0.0016%); highest among the groups gnomAD compares: Admixed American, 0.0034%; no homozygotes.

Submissions (2):

PreventionGenetics, part of Exact Sciences
Classification: Uncertain significance for TJP2-related condition. Last evaluated: 2026-08-05. Review status: criteria provided, single submitter. Criteria: ACMG Guidelines, 2015. Collection method: clinical testing. Allele origin: germline.
Comment: The TJP2 c.703C>T variant is predicted to result in the amino acid substitution p.Arg235Trp. To our knowledge, this variant has not been reported in the literature or large population database gnomAD, therefore this variant is rare. At this time, the clinical significance of this variant is uncertain due to the absence of conclusive functional and genetic evidence.

Blueprint Genetics
Classification: Uncertain significance. Last evaluated: 2023-12-07. Review status: criteria provided, single submitter. Criteria: ACMG Guidelines, 2015. Collection method: clinical testing. Allele origin: germline.

NM_004817.4(TJP2):c.703C>T (p.Arg235Trp)

Gene: TJP2 (tight junction protein 2; plus strand). Cytogenetic location: 9q21.11.
Variant type: single nucleotide variant.
Coding change: c.703C>T on transcript NM_004817.4 (MANE Select); coding-DNA position 703, C replaced by T.
Protein change: p.Arg235Trp; replaces arginine 235 with tryptophan.
Molecular consequence: missense variant.
Genome position (GRCh38, 1-based): chr9:69,221,247, C>T. VCF-style: chr9-69221247-C-T. GRCh37 (hg19) VCF-style: chr9-71836163-C-T.
Other names: c.703C>T, p.Arg235Trp (NM_201629.3, NM_001369872.1, NM_001369873.1); c.703C>T (NM_004817.3); c.634C>T, p.Arg212Trp (NM_001170414.2, NM_001369870.1, NM_001369871.1); c.715C>T, p.Arg239Trp (NM_001170415.1, NM_001369874.1, NM_001369875.1); c.796C>T, p.Arg266Trp (NM_001170416.2); short protein forms R212W, R235W, R239W, R266W.
Identifiers: ClinVar variation 4903251 (VCV004903251.2).
Genomic context (GRCh38, chr9:69,221,247, plus strand): 5'-CGCAGCCGTGGCCGGAGCCTGGAGCGGGGCCTGGACCACGACTTTGGGCCATCCCGGGAC[C>T]GGGACCGTGACCGCAGCCGCGGCCGGAGCATTGACCAGGACTACGAGCGAGCCTATCACC-3'
Protein context (NP_004808.2, residues 225-245): LDHDFGPSRD[Arg235Trp]DRDRSRGRSI